The following is an entry in ClinVar:

NM_001164508.2(NEB):c.39C>G (p.Tyr13Ter)

Gene: NEB (nebulin; minus strand). Cytogenetic location: 2q23.3.
Variant type: single nucleotide variant.
Coding change: c.39C>G on transcript NM_001164508.2 (MANE Select); coding-DNA position 39, C replaced by G.
Protein change: p.Tyr13Ter; replaces tyrosine 13 with a stop codon.
Molecular consequence: nonsense.
Genome position (GRCh38, 1-based): chr2:151,729,654, G>C on the plus strand (C>G on the coding strand, the complement: NEB is on the minus strand). VCF-style: chr2-151729654-G-C. GRCh37 (hg19) VCF-style: chr2-152586168-G-C.
Other names: c.39C>G, p.Tyr13Ter (NM_001164507.2, NM_001271208.2, NM_004543.5); short protein forms Y13*.
Identifiers: ClinVar variation 2762658 (VCV002762658.4), dbSNP rs2552280866, ClinGen allele CA348797063.
Genomic context (GRCh38, chr2:151,729,654, plus strand): 5'-CAGCTGTGGGCTGGGCCTTACCTCTCCCGGCACCTCTTCGTAAACCACTTCTTCTGTGTA[G>C]TACTGTAAATAGAGCACAAAGGCATTGGCAAGAGAACCAAAGCAGAAACCACCTCTCCTC-3'

ClinVar aggregate classification (germline): Pathogenic/Likely pathogenic. Review status: criteria provided, multiple submitters, no conflicts (2 of 4 stars). 2 submissions from 2 submitters: Pathogenic (1); Likely pathogenic (1). Last evaluated 2024-04-17.

Conditions:
Nemaline myopathy 2 (NEM2). Also called: Nemaline myopathy 2, autosomal recessive. Identifiers: MedGen C1850569, MONDO:0009725, OMIM 256030.

Submissions (2):

Natera, Inc.
Classification: Likely pathogenic for Nemaline myopathy type 2. Last evaluated: 2024-04-17. Review status: criteria provided, single submitter. Criteria: Natera Variant Classification Schema (03/2026). Collection method: clinical testing. Allele origin: germline.
Comment: The c.39C>G variant in NEB is a nonsense variant predicted to introduce a stop codon at amino acid 13. This variant is expected to result in nonsense mediated decay, truncation, or a dysfunctional protein product. This variant is rare in the general population with a frequency below the threshold expected for the associated phenotype(s). Given the available evidence, this variant is classified as Likely Pathogenic.

Labcorp Genetics (formerly Invitae), Labcorp
Classification: Pathogenic for Nemaline myopathy 2. Last evaluated: 2023-10-01. Review status: criteria provided, single submitter. Criteria: Invitae Variant Classification Sherloc (09022015). Collection method: clinical testing. Allele origin: germline.
Comment: This sequence change creates a premature translational stop signal (p.Tyr13*) in the NEB gene. It is expected to result in an absent or disrupted protein product. Loss-of-function variants in NEB are known to be pathogenic (PMID: 25205138). This variant is not present in population databases (gnomAD no frequency). This variant has not been reported in the literature in individuals affected with NEB-related conditions. Algorithms developed to predict the effect of sequence changes on RNA splicing suggest that this variant may disrupt the consensus splice site. For these reasons, this variant has been classified as Pathogenic.

Literature cited by the submitters: PubMed 25205138 (cited by Labcorp Genetics (formerly Invitae), Labcorp).